The following is an entry in ClinVar:

ClinVar aggregate classification (germline): Uncertain significance (1 of 4 stars; one submission).

Conditions:
Cardiovascular phenotype. Identifiers: MedGen CN230736.
Hereditary cancer-predisposing syndrome. Also called: Neoplastic Syndromes, Hereditary; Tumor predisposition; Hereditary Cancer Syndrome; Hereditary neoplastic syndrome. Identifiers: Orphanet 140162, MedGen C0027672, MeSH D009386, MONDO:0015356.

gnomAD v4.1: 2 of 1,613,550 alleles (0.00012%); highest among the groups gnomAD compares: Non-Finnish European, 0.00017%; no homozygotes.

Submission:

Ambry Genetics
Classification: Uncertain significance for Cardiovascular phenotype; Hereditary cancer-predisposing syndrome. Last evaluated: 2026-05-12. Review status: criteria provided, single submitter. Criteria: Ambry Variant Classification Scheme 2023. Collection method: clinical testing. Allele origin: germline.
Comment: The p.L2599F variant (also known as c.7795C>T), located in coding exon 52 of the NF1 gene, results from a C to T substitution at nucleotide position 7795. The leucine at codon 2599 is replaced by phenylalanine, an amino acid with highly similar properties. This amino acid position is highly conserved in available vertebrate species. In addition, the in silico prediction for this alteration is inconclusive. Based on the available evidence, the clinical significance of this variant remains unclear.

NM_001042492.3(NF1):c.7858C>T (p.Leu2620Phe)

Gene: NF1 (neurofibromin 1; plus strand). Cytogenetic location: 17q11.2.
Variant type: single nucleotide variant.
Coding change: c.7858C>T on transcript NM_001042492.3 (MANE Select); coding-DNA position 7858, C replaced by T.
Protein change: p.Leu2620Phe; replaces leucine 2620 with phenylalanine.
Molecular consequence: missense variant.
Genome position (GRCh38, 1-based): chr17:31,357,079, C>T. VCF-style: chr17-31357079-C-T. GRCh37 (hg19) VCF-style: chr17-29684097-C-T.
Other names: c.7795C>T, p.Leu2599Phe (NM_000267.4); short protein forms L2599F, L2620F.
Identifiers: ClinVar variation 4860963 (VCV004860963.1).